The following is an entry in ClinVar:

ClinVar aggregate classification (germline): Pathogenic (1 of 4 stars; one submission).

Conditions:
Duchenne muscular dystrophy (DMD). Also called: MUSCULAR DYSTROPHY, PSEUDOHYPERTROPHIC PROGRESSIVE, DUCHENNE TYPE; Duchenne Muscular Dystrophy (DMD). Identifiers: Orphanet 98896, MedGen C0013264, MONDO:0010679, OMIM 310200.

Submission:

Labcorp Genetics (formerly Invitae), Labcorp
Classification: Pathogenic for Duchenne muscular dystrophy. Last evaluated: 2022-03-12. Review status: criteria provided, single submitter. Criteria: Invitae Variant Classification Sherloc (09022015). Collection method: clinical testing. Allele origin: germline.
Comment: For these reasons, this variant has been classified as Pathogenic. This variant has not been reported in the literature in individuals affected with DMD-related conditions. This variant is not present in population databases (gnomAD no frequency). This sequence change creates a premature translational stop signal (p.Leu2855*) in the DMD gene. It is expected to result in an absent or disrupted protein product. Loss-of-function variants in DMD are known to be pathogenic (PMID: 16770791, 25007885).

Literature cited by the submitters: PubMed 16770791; PubMed 25007885.

NM_004006.3(DMD):c.8564T>A (p.Leu2855Ter)

Gene: DMD (dystrophin; minus strand). Cytogenetic location: Xp21.2.
Variant type: single nucleotide variant.
Coding change: c.8564T>A on transcript NM_004006.3 (MANE Select); coding-DNA position 8564, T replaced by A.
Protein change: p.Leu2855Ter; replaces leucine 2855 with a stop codon.
Molecular consequence: nonsense.
Genome position (GRCh38, 1-based): chrX:31,479,087, A>T on the plus strand (T>A on the coding strand, the complement: DMD is on the minus strand). VCF-style: chrX-31479087-A-T. GRCh37 (hg19) VCF-style: chrX-31497204-A-T.
Other names: c.8540T>A, p.Leu2847Ter (NM_000109.4); c.8552T>A, p.Leu2851Ter (NM_004009.3); c.8195T>A, p.Leu2732Ter (NM_004010.3); c.4541T>A, p.Leu1514Ter (NM_004011.4); c.4532T>A, p.Leu1511Ter (NM_004012.4); c.1184T>A, p.Leu395Ter (NM_004013.3, NM_004020.4, NM_004021.3 and 2 more transcripts); c.377T>A, p.Leu126Ter (NM_004014.3); short protein forms L126*, L2847*, L2855*, L2732*, L2851*, L1514*, L395*, L1511*.
Identifiers: ClinVar variation 2109846 (VCV002109846.4), dbSNP rs765753641, ClinGen allele CA412654656.